The following is an entry in ClinVar:

NM_001148.6(ANK2):c.4619C>T (p.Ala1540Val)

Gene: ANK2 (ankyrin 2; plus strand). Cytogenetic location: 4q26.
Variant type: single nucleotide variant.
Coding change: c.4619C>T on transcript NM_001148.6 (MANE Select); coding-DNA position 4619, C replaced by T.
Protein change: p.Ala1540Val; replaces alanine 1540 with valine.
Molecular consequence: missense variant. On other transcripts: intron variant (68).
Genome position (GRCh38, 1-based): chr4:113,353,237, C>T. VCF-style: chr4-113353237-C-T. GRCh37 (hg19) VCF-style: chr4-114274393-C-T.
Other names: c.4385C>T, p.Ala1462Val (NM_001386142.1); c.1019C>T, p.Ala340Val (NM_001386166.1); c.4760C>T, p.Ala1587Val (NM_001386174.1); c.4736C>T, p.Ala1579Val (NM_001386175.1); c.4411+2988C>T (NM_001386186.2, NM_001386148.2); c.4213+2988C>T (NM_001354269.3); c.4291+2988C>T (NM_001386187.2); c.4252+2988C>T (NM_001386147.1); and 35 more; short protein forms A1462V, A1540V, A340V, A1579V, A1587V.
Identifiers: ClinVar variation 1391034 (VCV001391034.8), dbSNP rs144447291, ClinGen allele CA103810603.
Genomic context (GRCh38, chr4:113,353,237, plus strand): 5'-TCTTGACCACAGATGTGTCTGATAAGGCAGGTTCTATTAAAGTGAAGGAGCTGGTGAAGG[C>T]TGCTGAGGAAGAGCCAGGAGAGCCTTTTGAAATCGTTGAAAGAGTTAAAGAGGACTTAGA-3'
Protein context (NP_001139.3, residues 1530-1550): GSIKVKELVK[Ala1540Val]AEEEPGEPFE

ClinVar aggregate classification (germline): Conflicting classifications of pathogenicity. Review status: criteria provided, conflicting classifications (1 of 4 stars). 2 submissions from 2 submitters: Uncertain significance (1); Likely benign (1). Last evaluated 2025-09-10.

Conditions:
Long QT syndrome (LQTS). Identifiers: MedGen C0023976, MeSH D008133, MONDO:0002442. Disease mechanism: loss of function. Inheritance: Various modes of inheritance.
Cardiovascular phenotype. Identifiers: MedGen CN230736.

Allele frequency attached by ClinVar (database versions not stated): gnomAD exomes below 0.00001; gnomAD 0.00001; ESP Exome Variant Server 0.00008.
gnomAD v4.1: 1 of 1,613,998 alleles (0.000062%); highest among the groups gnomAD compares: African/African-American, 0.0013%; no homozygotes.

Submissions (2):

Labcorp Genetics (formerly Invitae), Labcorp
Classification: Uncertain significance for Long QT syndrome. Last evaluated: 2025-09-10. Review status: criteria provided, single submitter. Criteria: Invitae Variant Classification Sherloc (09022015). Collection method: clinical testing. Allele origin: germline.
Comment: This sequence change replaces alanine, which is neutral and non-polar, with valine, which is neutral and non-polar, at codon 1540 of the ANK2 protein (p.Ala1540Val). This variant is not present in population databases (gnomAD no frequency). This variant has not been reported in the literature in individuals affected with ANK2-related conditions. ClinVar contains an entry for this variant (Variation ID: 1391034). An algorithm developed to predict the effect of missense changes on protein structure and function outputs the following: PolyPhen-2: "Benign". The valine amino acid residue is found in multiple mammalian species, which suggests that this missense change does not adversely affect protein function. In summary, the available evidence is currently insufficient to determine the role of this variant in disease. Therefore, it has been classified as a Variant of Uncertain Significance.

Ambry Genetics
Classification: Likely benign for Cardiovascular phenotype. Last evaluated: 2020-09-22. Review status: criteria provided, single submitter. Criteria: Ambry Variant Classification Scheme 2023. Collection method: clinical testing. Allele origin: germline.